The following is an entry in ClinVar:

ClinVar aggregate classification (germline): Uncertain significance (1 of 4 stars; one submission).

Conditions:
Brugada syndrome. Also called: Sudden unexpected nocturnal death syndrome; Sudden Unexplained Death Syndrome; Sudden Unexplained Nocturnal Death Syndrome (SUNDS); Sudden unexplained nocturnal death syndrome. Identifiers: Orphanet 130, MedGen C1142166, MONDO:0015263.

Submission:

Labcorp Genetics (formerly Invitae), Labcorp
Classification: Uncertain significance for Brugada syndrome. Last evaluated: 2022-12-06. Review status: criteria provided, single submitter. Criteria: Invitae Variant Classification Sherloc (09022015). Collection method: clinical testing. Allele origin: germline.
Comment: In summary, the available evidence is currently insufficient to determine the role of this variant in disease. Therefore, it has been classified as a Variant of Uncertain Significance. Algorithms developed to predict the effect of missense changes on protein structure and function (SIFT, PolyPhen-2, Align-GVGD) all suggest that this variant is likely to be tolerated. ClinVar contains an entry for this variant (Variation ID: 1464472). This variant has not been reported in the literature in individuals affected with CACNA2D1-related conditions. This variant is not present in population databases (gnomAD no frequency). This sequence change replaces aspartic acid, which is acidic and polar, with asparagine, which is neutral and polar, at codon 854 of the CACNA2D1 protein (p.Asp854Asn).

NM_000722.4(CACNA2D1):c.2560G>A (p.Asp854Asn)

Gene: CACNA2D1 (calcium voltage-gated channel auxiliary subunit alpha2delta 1; minus strand). Cytogenetic location: 7q21.11.
Variant type: single nucleotide variant.
Coding change: c.2560G>A on transcript NM_000722.4 (MANE Select); coding-DNA position 2560, G replaced by A.
Protein change: p.Asp854Asn; replaces aspartic acid 854 with asparagine.
Molecular consequence: missense variant.
Genome position (GRCh38, 1-based): chr7:81,965,608, C>T on the plus strand (G>A on the coding strand, the complement: CACNA2D1 is on the minus strand). VCF-style: chr7-81965608-C-T. GRCh37 (hg19) VCF-style: chr7-81594924-C-T.
Other names: c.2596G>A, p.Asp866Asn (NM_001366867.1); short protein forms D854N, D866N.
Identifiers: ClinVar variation 1464472 (VCV001464472.6), dbSNP rs2130335993, ClinGen allele CA367886266.
Genomic context (GRCh38, chr7:81,965,608, plus strand): 5'-AAACACACTTTGGAAAGCCTAATTCCCTCTTATTTGAGGTACATACCTGATTAGTATAAT[C>T]ATCATGATTTGCCATCAGAAGAAACCCACCATCATCCAGAATCACACAATCCATTACCTA-3'
Protein context (NP_000713.2, residues 844-864): GGFLLMANHD[Asp854Asn]YTNQIGRFFG